The following is an entry in ClinVar:

NM_000026.4(ADSL):c.962C>T (p.Thr321Ile)

Gene: ADSL (adenylosuccinate lyase; plus strand). Cytogenetic location: 22q13.1.
Variant type: single nucleotide variant.
Coding change: c.962C>T on transcript NM_000026.4 (MANE Select); coding-DNA position 962, C replaced by T.
Protein change: p.Thr321Ile; replaces threonine 321 with isoleucine.
Molecular consequence: missense variant. On other transcripts: non-coding transcript variant (1).
Genome position (GRCh38, 1-based): chr22:40,361,587, C>T. VCF-style: chr22-40361587-C-T. GRCh37 (hg19) VCF-style: chr22-40757591-C-T.
Other names: c.962C>T, p.Thr321Ile (NM_001123378.3, NM_001363840.3); c.770C>T, p.Thr257Ile (NM_001317923.2); short protein forms T257I, T321I.
Identifiers: ClinVar variation 841141 (VCV000841141.9), dbSNP rs1243449413, ClinGen allele CA411644372.

ClinVar aggregate classification (germline): Uncertain significance. Review status: criteria provided, multiple submitters, no conflicts (2 of 4 stars). 3 submissions from 3 submitters: Uncertain significance (3). Last evaluated 2024-07-26.

Conditions:
Inborn genetic diseases. Identifiers: MedGen C0950123, MeSH D030342.
Adenylosuccinate lyase deficiency (ADSLD). Also called: ADSL DEFICIENCY. Identifiers: Orphanet 46, MedGen C0268126, MONDO:0007068, OMIM 103050.

Allele frequency attached by ClinVar (database versions not stated): gnomAD exomes below 0.00001; TOPMed 0.00003.
gnomAD v4.1: 9 of 1,614,188 alleles (0.00056%); highest among the groups gnomAD compares: Admixed American, 0.0033%; no homozygotes.

Submissions (3):

Ambry Genetics
Classification: Uncertain significance for Inborn genetic diseases. Last evaluated: 2024-07-26. Review status: criteria provided, single submitter. Criteria: Ambry Variant Classification Scheme 2023. Collection method: clinical testing. Allele origin: germline.

Blueprint Genetics
Classification: Uncertain significance. Last evaluated: 2023-06-19. Review status: criteria provided, single submitter. Criteria: ACMG Guidelines, 2015. Collection method: clinical testing. Allele origin: germline.

Labcorp Genetics (formerly Invitae), Labcorp
Classification: Uncertain significance for Adenylosuccinate lyase deficiency. Last evaluated: 2022-09-19. Review status: criteria provided, single submitter. Criteria: Invitae Variant Classification Sherloc (09022015). Collection method: clinical testing. Allele origin: germline.
Comment: This sequence change replaces threonine, which is neutral and polar, with isoleucine, which is neutral and non-polar, at codon 321 of the ADSL protein (p.Thr321Ile). This variant is present in population databases (no rsID available, gnomAD 0.003%). This variant has not been reported in the literature in individuals affected with ADSL-related conditions. ClinVar contains an entry for this variant (Variation ID: 841141). Advanced modeling of protein sequence and biophysical properties (such as structural, functional, and spatial information, amino acid conservation, physicochemical variation, residue mobility, and thermodynamic stability) performed at Invitae indicates that this missense variant is not expected to disrupt ADSL protein function. In summary, the available evidence is currently insufficient to determine the role of this variant in disease. Therefore, it has been classified as a Variant of Uncertain Significance.